The following is an entry in ClinVar:

NM_012431.3(SEMA3E):c.45C>T (p.Tyr15=)

Gene: SEMA3E (semaphorin 3E; minus strand). Cytogenetic location: 7q21.11.
Variant type: single nucleotide variant.
Coding change: c.45C>T on transcript NM_012431.3 (MANE Select); coding-DNA position 45, C replaced by T.
Protein change: p.Tyr15=; no amino-acid change (tyrosine 15 retained).
Molecular consequence: synonymous variant.
Genome position (GRCh38, 1-based): chr7:83,648,498, G>A on the plus strand (C>T on the coding strand, the complement: SEMA3E is on the minus strand). VCF-style: chr7-83648498-G-A. GRCh37 (hg19) VCF-style: chr7-83277814-G-A.
Identifiers: ClinVar variation 3355323 (VCV003355323.1).

ClinVar aggregate classification (germline): Likely benign (0 of 4 stars; one submission).

Conditions:
SEMA3E-related disorder. Also called: SEMA3E-related condition.

Submission:

PreventionGenetics, part of Exact Sciences
Classification: Likely benign for SEMA3E-related condition. Last evaluated: 2024-05-01. Review status: no assertion criteria provided. Collection method: clinical testing. Allele origin: germline.
Comment: This variant is classified as likely benign based on ACMG/AMP sequence variant interpretation guidelines (Richards et al. 2015 PMID: 25741868, with internal and published modifications).